The following is an entry in ClinVar:

NM_014975.3(MAST1):c.877-7G>A

Gene: MAST1 (microtubule associated serine/threonine kinase 1; plus strand). Cytogenetic location: 19p13.13.
Variant type: single nucleotide variant.
Coding change: c.877-7G>A on transcript NM_014975.3 (MANE Select); 7 bases into the intron before coding-DNA position 877, G replaced by A.
Molecular consequence: intron variant.
Genome position (GRCh38, 1-based): chr19:12,852,108, G>A. VCF-style: chr19-12852108-G-A. GRCh37 (hg19) VCF-style: chr19-12962922-G-A.
Identifiers: ClinVar variation 3025381 (VCV003025381.24), dbSNP rs748262889, ClinGen allele CA9232737.

ClinVar aggregate classification (germline): Likely benign. Review status: criteria provided, multiple submitters, no conflicts (2 of 4 stars). 2 submissions from 2 submitters: Likely benign (2). Last evaluated 2025-09-03.

Allele frequency attached by ClinVar (database versions not stated): gnomAD exomes 0.00001; ExAC 0.00003.
gnomAD v4.1: 14 of 1,613,564 alleles (0.00087%); highest among the groups gnomAD compares: Admixed American, 0.012%; no homozygotes.

Submissions (2):

Labcorp Genetics (formerly Invitae), Labcorp
Classification: Likely benign. Last evaluated: 2025-09-03. Review status: criteria provided, single submitter. Criteria: Invitae Variant Classification Sherloc (09022015). Collection method: clinical testing. Allele origin: germline.

CeGaT Center for Human Genetics Tuebingen
Classification: Likely benign. Last evaluated: 2024-01-01. Review status: criteria provided, single submitter. Criteria: CeGaT Center For Human Genetics Tuebingen Variant Classification Criteria Version 2. Collection method: clinical testing. Allele origin: germline. Affected: yes. Observed: 2 variant alleles.
Comment: MAST1: BP4